The following is an entry in ClinVar:

ClinVar aggregate classification (germline): Uncertain significance (1 of 4 stars; one submission).

Conditions:
Myopathy, centronuclear, 2 (CNM2). Also called: MYOTUBULAR MYOPATHY, AUTOSOMAL RECESSIVE. Identifiers: Orphanet 169186, MedGen CN031787, MONDO:0009709, OMIM 255200.

gnomAD v4.1: 1 of 1,613,770 alleles (0.000062%); no homozygotes.

Submission:

Labcorp Genetics (formerly Invitae), Labcorp
Classification: Uncertain significance for Myopathy, centronuclear, 2. Last evaluated: 2026-01-19. Review status: criteria provided, single submitter. Criteria: Invitae Variant Classification Sherloc (09022015). Collection method: clinical testing. Allele origin: germline.
Comment: This sequence change replaces glycine, which is neutral and non-polar, with glutamic acid, which is acidic and polar, at codon 511 of the BIN1 protein (p.Gly511Glu). This variant is not present in population databases (gnomAD no frequency). This variant has not been reported in the literature in individuals affected with BIN1-related conditions. ClinVar contains an entry for this variant (Variation ID: 2005835). Invitae Evidence Modeling of protein sequence and biophysical properties (such as structural, functional, and spatial information, amino acid conservation, physicochemical variation, residue mobility, and thermodynamic stability) indicates that this missense variant is not expected to disrupt BIN1 protein function with a negative predictive value of 80%. In summary, the available evidence is currently insufficient to determine the role of this variant in disease. Therefore, it has been classified as a Variant of Uncertain Significance.

NM_139343.3(BIN1):c.1532G>A (p.Gly511Glu)

Gene: BIN1 (bridging integrator 1; minus strand). Cytogenetic location: 2q14.3.
Variant type: single nucleotide variant.
Coding change: c.1532G>A on transcript NM_139343.3 (MANE Select); coding-DNA position 1532, G replaced by A.
Protein change: p.Gly511Glu; replaces glycine 511 with glutamic acid.
Molecular consequence: missense variant.
Genome position (GRCh38, 1-based): chr2:127,050,842, C>T on the plus strand (G>A on the coding strand, the complement: BIN1 is on the minus strand). VCF-style: chr2-127050842-C-T. GRCh37 (hg19) VCF-style: chr2-127808418-C-T.
Other names: c.1025G>A, p.Gly342Glu (NM_001320632.2); c.1163G>A, p.Gly388Glu (NM_001320633.2); c.908G>A, p.Gly303Glu (NM_001320634.1); c.1292G>A, p.Gly431Glu (NM_001320640.2); c.1439G>A, p.Gly480Glu (NM_001320641.2); c.1451G>A, p.Gly484Glu (NM_001320642.1); c.1115G>A, p.Gly372Glu (NM_004305.4); c.1403G>A, p.Gly468Glu (NM_139344.3); and 7 more; short protein forms G303E, G388E, G415E, G424E, G468E, G480E, G484E, G357E.
Identifiers: ClinVar variation 2005835 (VCV002005835.4), dbSNP rs2467163921, ClinGen allele CA348374671.